The following is an entry in ClinVar:

ClinVar aggregate classification (germline): Uncertain significance (1 of 4 stars; one submission).

Allele frequency attached by ClinVar (database versions not stated): gnomAD exomes below 0.00001.
gnomAD v4.1: 1 of 1,600,068 alleles (0.000062%); highest among the groups gnomAD compares: Admixed American, 0.0017%; no homozygotes.

Submission:

Labcorp Genetics (formerly Invitae), Labcorp
Classification: Uncertain significance. Last evaluated: 2022-11-01. Review status: criteria provided, single submitter. Criteria: Invitae Variant Classification Sherloc (09022015). Collection method: clinical testing. Allele origin: germline.
Comment: This sequence change replaces lysine, which is basic and polar, with threonine, which is neutral and polar, at codon 29 of the RBPJ protein (p.Lys29Thr). This variant is not present in population databases (gnomAD no frequency). This variant has not been reported in the literature in individuals affected with RBPJ-related conditions. Advanced modeling of protein sequence and biophysical properties (such as structural, functional, and spatial information, amino acid conservation, physicochemical variation, residue mobility, and thermodynamic stability) performed at Invitae indicates that this missense variant is not expected to disrupt RBPJ protein function. In summary, the available evidence is currently insufficient to determine the role of this variant in disease. Therefore, it has been classified as a Variant of Uncertain Significance.

NM_015874.6(RBPJ):c.47A>C (p.Lys16Thr)

Gene: RBPJ (recombination signal binding protein for immunoglobulin kappa J region; plus strand). Cytogenetic location: 4p15.2.
Variant type: single nucleotide variant.
Coding change: c.47A>C on transcript NM_015874.6 (MANE Select); coding-DNA position 47, A replaced by C.
Protein change: p.Lys16Thr; replaces lysine 16 with threonine.
Molecular consequence: missense variant. On other transcripts: 5 prime UTR variant (2).
Genome position (GRCh38, 1-based): chr4:26,386,379, A>C. VCF-style: chr4-26386379-A-C. GRCh37 (hg19) VCF-style: chr4-26388001-A-C.
Other names: c.-20A>C (NM_001363577.2, NM_203283.5); c.86A>C, p.Lys29Thr (NM_001374400.1, NM_001379408.1, NM_005349.4); c.44A>C, p.Lys15Thr (NM_001374401.1, NM_001374402.1, NM_001374403.1 and 3 more transcripts); c.41A>C, p.Lys14Thr (NM_001379409.1); short protein forms K16T, K29T, K14T, K15T.
Identifiers: ClinVar variation 2103712 (VCV002103712.4), dbSNP rs2475086201, ClinGen allele CA356668679.